The following is an entry in ClinVar:

NM_001165963.4(SCN1A):c.1112C>T (p.Ala371Val)

Gene: SCN1A (sodium voltage-gated channel alpha subunit 1; minus strand). Cytogenetic location: 2q24.3.
Variant type: single nucleotide variant.
Coding change: c.1112C>T on transcript NM_001165963.4 (MANE Select); coding-DNA position 1112, C replaced by T.
Protein change: p.Ala371Val; replaces alanine 371 with valine.
Molecular consequence: missense variant. On other transcripts: 5 prime UTR variant (1), non-coding transcript variant (1).
Genome position (GRCh38, 1-based): chr2:166,047,685, G>A on the plus strand (C>T on the coding strand, the complement: SCN1A is on the minus strand). VCF-style: chr2-166047685-G-A. GRCh37 (hg19) VCF-style: chr2-166904195-G-A.
Other names: p.A371V:GCT>GTT; c.1112C>T, p.Ala371Val (NM_001165964.3, NM_001202435.3, NM_001353948.2 and 10 more transcripts); c.-1314C>T (NM_001353961.2); short protein forms A371V.
Identifiers: ClinVar variation 206759 (VCV000206759.4), dbSNP rs796052971, ClinGen allele CA317201.
Genomic context (GRCh38, chr2:166,047,685, plus strand): 5'-ACCAGTTGATAAAGATTTTCCCAGAAGTCCTGAGTCATTAGTCGAAACAAGGACAAAAAA[G>A]CCCAACTGAAGGTATCAAAGCTTGTGTAGCCATAATTGGGATTTCTACCAGCTTTCACAC-3'
Protein context (NP_001159435.1, residues 361-381): GYTSFDTFSW[Ala371Val]FLSLFRLMTQ

ClinVar aggregate classification (germline): Pathogenic (1 of 4 stars; one submission).

Submission:

GeneDx
Classification: Pathogenic. Last evaluated: 2026-10-12. Review status: criteria provided, single submitter. Criteria: GeneDx Variant Classification Process June 2021. Collection method: clinical testing. Allele origin: germline.
Comment: Reported previously as a maternally inherited variant in a patient with Dravet syndrome (PMID: 29933521); Reported previously in a patient with seizures and mild intellectual disability who also harbored a variant in a different gene (PMID: 38116874); Not observed at significant frequency in large population cohorts (gnomAD); In silico analysis supports that this missense variant has a deleterious effect on protein structure/function; This substitution is predicted to be within the pore forming loop between the S5 and S6 transmembrane segments of the first homologous domain; This variant is associated with the following publications: (PMID: 29655203, 41323276, 38116874, 29455050, 24896178, 31031587, 29933521)